The following is an entry in ClinVar:

NM_001127222.2(CACNA1A):c.2191G>T (p.Glu731Ter)

Gene: CACNA1A (calcium voltage-gated channel subunit alpha1 A; minus strand). Cytogenetic location: 19p13.13.
Variant type: single nucleotide variant.
Coding change: c.2191G>T on transcript NM_001127222.2 (MANE Select); coding-DNA position 2191, G replaced by T.
Protein change: p.Glu731Ter; replaces glutamic acid 731 with a stop codon.
Molecular consequence: nonsense.
Genome position (GRCh38, 1-based): chr19:13,300,638, C>A on the plus strand (G>T on the coding strand, the complement: CACNA1A is on the minus strand). VCF-style: chr19-13300638-C-A. GRCh37 (hg19) VCF-style: chr19-13411452-C-A.
Other names: c.2203G>T, p.Glu735Ter (NM_000068.4, NM_023035.3); c.2194G>T, p.Glu732Ter (NM_001127221.2, NM_001174080.2); short protein forms E732*, E735*, E731*.
Identifiers: ClinVar variation 542827 (VCV000542827.7), dbSNP rs1555756737, ClinGen allele CA404344014.
Genomic context (GRCh38, chr19:13,300,638, plus strand): 5'-GAGGACTCACTTCTGCCACCTCCTTGGCTTTCTGTAGGGCAAGTTTCTGGTTCGCTGCTT[C>A]TTCTTCCTCTTGCTCGTCCTAAAAGGCACGTGGAATCTTTGTTCACAAAACATGAACTAG-3'

ClinVar aggregate classification (germline): Pathogenic (1 of 4 stars; one submission).

Conditions:
Episodic ataxia type 2 (EA2). Also called: EPISODIC ATAXIA, NYSTAGMUS-ASSOCIATED; ATAXIA, EPISODIC, WITH NYSTAGMUS; ATAXIA, FAMILIAL PAROXYSMAL; CEREBELLAR ATAXIA, PAROXYSMAL, ACETAZOLAMIDE-RESPONSIVE; CEREBELLOPATHY, HEREDITARY PAROXYSMAL; ACETAZOLAMIDE-RESPONSIVE HEREDITARY PAROXYSMAL CEREBELLAR ATAXIA. Identifiers: Orphanet 97, MedGen C1720416, MONDO:0007163, OMIM 108500.
Developmental and epileptic encephalopathy, 42 (DEE42A). Also called: Epileptic encephalopathy, early infantile, 42; DEVELOPMENTAL AND EPILEPTIC ENCEPHALOPATHY 42A; EPILEPTIC ENCEPHALOPATHY, EARLY INFANTILE, 42A. Identifiers: MedGen C4310716, MONDO:0014917, OMIM 617106.

Submission:

Labcorp Genetics (formerly Invitae), Labcorp
Classification: Pathogenic for Developmental and epileptic encephalopathy, 42; Episodic ataxia type 2. Last evaluated: 2018-01-04. Review status: criteria provided, single submitter. Criteria: Invitae Variant Classification Sherloc (09022015). Collection method: clinical testing. Allele origin: germline.
Comment: For these reasons, this variant has been classified as Pathogenic. Loss-of-function variants in CACNA1A are known to be pathogenic (PMID: 10371528, 19486177, 25735478, 27250579). This variant has not been reported in the literature in individuals with CACNA1A-related disease. This variant is not present in population databases (ExAC no frequency). This sequence change creates a premature translational stop signal (p.Glu732*) in the CACNA1A gene. It is expected to result in an absent or disrupted protein product.

Literature cited by the submitters: PubMed 10371528; PubMed 19486177; PubMed 25735478; PubMed 27250579.